The following is an entry in ClinVar:

ClinVar aggregate classification (germline): Uncertain significance (1 of 4 stars; one submission).

Allele frequency attached by ClinVar (database versions not stated): gnomAD 0.00001 and 0.00003; gnomAD exomes 0.00001; ExAC 0.00002; TOPMed 0.00003; 1000 Genomes Project 30x 0.00016; 1000 Genomes Project 0.00020.
gnomAD v4.1: 18 of 1,574,992 alleles (0.0011%); highest among the groups gnomAD compares: South Asian, 0.0094%; no homozygotes.

Submission:

Labcorp Genetics (formerly Invitae), Labcorp
Classification: Uncertain significance. Last evaluated: 2021-11-17. Review status: criteria provided, single submitter. Criteria: Invitae Variant Classification Sherloc (09022015). Collection method: clinical testing. Allele origin: germline.
Comment: In summary, the available evidence is currently insufficient to determine the role of this variant in disease. Therefore, it has been classified as a Variant of Uncertain Significance. Algorithms developed to predict the effect of missense changes on protein structure and function (SIFT, PolyPhen-2, Align-GVGD) all suggest that this variant is likely to be tolerated. This variant has not been reported in the literature in individuals affected with KLC2-related conditions. This variant is present in population databases (rs548909140, gnomAD 0.008%). This sequence change replaces alanine, which is neutral and non-polar, with threonine, which is neutral and polar, at codon 486 of the KLC2 protein (p.Ala486Thr).

NM_001318734.2(KLC2):c.1456G>A (p.Ala486Thr)

Gene: KLC2 (kinesin light chain 2; plus strand). Cytogenetic location: 11q13.2.
Variant type: single nucleotide variant.
Coding change: c.1456G>A on transcript NM_001318734.2 (MANE Select); coding-DNA position 1456, G replaced by A.
Protein change: p.Ala486Thr; replaces alanine 486 with threonine.
Molecular consequence: missense variant.
Genome position (GRCh38, 1-based): chr11:66,265,866, G>A. VCF-style: chr11-66265866-G-A. GRCh37 (hg19) VCF-style: chr11-66033337-G-A.
Other names: c.1225G>A, p.Ala409Thr (NM_001134774.2); c.1456G>A, p.Ala486Thr (NM_001134775.2, NM_001134776.2, NM_022822.3); short protein forms A409T, A486T.
Identifiers: ClinVar variation 1410986 (VCV001410986.6), dbSNP rs548909140, ClinGen allele CA6117459.
Genomic context (GRCh38, chr11:66,265,866, plus strand): 5'-CCCTGGGTGTGGTCCATTCACTGCCTGATGCCCCTGCCCCTCCCTCAGGGTTTGGACCCC[G>A]CAAGCCAGACCAAGGTGGTAGAACTGCTGAAAGATGGCAGTGGCAGGCGGGGAGACCGCC-3'
Protein context (NP_001305663.1, residues 476-496): SRNRKQGLDP[Ala486Thr]SQTKVVELLK